The following is an entry in ClinVar:

NM_001134363.3(RBM20):c.1948C>T (p.Pro650Ser)

Gene: RBM20 (RNA binding motif protein 20; plus strand). Cytogenetic location: 10q25.2.
Variant type: single nucleotide variant.
Coding change: c.1948C>T on transcript NM_001134363.3 (MANE Select); coding-DNA position 1948, C replaced by T.
Protein change: p.Pro650Ser; replaces proline 650 with serine.
Molecular consequence: missense variant.
Genome position (GRCh38, 1-based): chr10:110,812,345, C>T. VCF-style: chr10-110812345-C-T. GRCh37 (hg19) VCF-style: chr10-112572103-C-T.
Other names: short protein forms P650S.
Identifiers: ClinVar variation 2413530 (VCV002413530.6), dbSNP rs1844779186, ClinGen allele CA378370479.

ClinVar aggregate classification (germline): Uncertain significance (1 of 4 stars; one submission).

Conditions:
Dilated cardiomyopathy 1DD (CMD1DD). Identifiers: Orphanet 154, MedGen C2750995, MONDO:0013168, OMIM 613172.

Allele frequency attached by ClinVar (database versions not stated): gnomAD exomes below 0.00001.
gnomAD v4.1: 5 of 1,551,618 alleles (0.00032%); highest among the groups gnomAD compares: Non-Finnish European, 0.00044%; no homozygotes.

Submission:

Labcorp Genetics (formerly Invitae), Labcorp
Classification: Uncertain significance for Dilated cardiomyopathy 1DD. Last evaluated: 2025-03-17. Review status: criteria provided, single submitter. Criteria: Invitae Variant Classification Sherloc (09022015). Collection method: clinical testing. Allele origin: germline.
Comment: This sequence change replaces proline, which is neutral and non-polar, with serine, which is neutral and polar, at codon 650 of the RBM20 protein (p.Pro650Ser). This variant is not present in population databases (gnomAD no frequency). This variant has not been reported in the literature in individuals affected with RBM20-related conditions. ClinVar contains an entry for this variant (Variation ID: 2413530). Invitae Evidence Modeling of protein sequence and biophysical properties (such as structural, functional, and spatial information, amino acid conservation, physicochemical variation, residue mobility, and thermodynamic stability) indicates that this missense variant is not expected to disrupt RBM20 protein function with a negative predictive value of 95%. In summary, the available evidence is currently insufficient to determine the role of this variant in disease. Therefore, it has been classified as a Variant of Uncertain Significance.